The following is an entry in ClinVar:

NM_000553.6(WRN):c.4099_4100inv (p.Cys1367His)

Gene: WRN (WRN RecQ like helicase; plus strand). Cytogenetic location: 8p12.
Variant type: Inversion.
Coding change: c.4099_4100inv on transcript NM_000553.6 (MANE Select).
Protein change: p.Cys1367His; replaces cysteine 1367 with histidine.
Molecular consequence: missense variant.
Genome position: GRCh38 VCF-style: chr8-31167138-TG-CA. GRCh37 (hg19) VCF-style: chr8-31024654-TG-CA.
Other names: c.4099_4100delinsCA (NM_000553.4); short protein forms C1367H.
Identifiers: ClinVar variation 404057 (VCV000404057.10), ClinGen allele CA16612635.
Genomic context (GRCh38, chr8:31,167,138, plus strand): 5'-CTTATCCACATGGCAATTGAGATCCTTAAACATGGTCCTGACAGCGGACTTCAACCTTCA[TG>CA]TGATGTCAACAAAAGGAGATGTTTTCCCGGTTCTGAAGAGATCTGTTCAAGTTCTAAGAG-3'
Protein context (NP_000544.2, residues 1357-1377): HGPDSGLQPS[Cys1367His]DVNKRRCFPG

ClinVar aggregate classification (germline): Uncertain significance (1 of 4 stars; one submission).

Conditions:
Werner syndrome (WRN). Identifiers: Orphanet 902, MedGen C0043119, MONDO:0010196, OMIM 277700.

Submission:

Labcorp Genetics (formerly Invitae), Labcorp
Classification: Uncertain significance for Werner syndrome. Last evaluated: 2026-01-21. Review status: criteria provided, single submitter. Criteria: Invitae Variant Classification Sherloc (09022015). Collection method: clinical testing. Allele origin: germline.
Comment: This sequence change replaces cysteine, which is neutral and slightly polar, with histidine, which is basic and polar, at codon 1367 of the WRN protein (p.Cys1367His). The frequency data for this variant in the population databases is considered unreliable, as metrics indicate poor data quality at this position in the gnomAD database. This variant has not been reported in the literature in individuals affected with WRN-related conditions. ClinVar contains an entry for this variant (Variation ID: 404057). An algorithm developed to predict the effect of missense changes on protein structure and function (PolyPhen-2) suggests that this variant is likely to be disruptive. In summary, the available evidence is currently insufficient to determine the role of this variant in disease. Therefore, it has been classified as a Variant of Uncertain Significance.